The following is an entry in ClinVar:

NM_001854.4(COL11A1):c.3458G>C (p.Gly1153Ala)

Gene: COL11A1 (collagen type XI alpha 1 chain; minus strand). Cytogenetic location: 1p21.1.
Variant type: single nucleotide variant.
Coding change: c.3458G>C on transcript NM_001854.4 (MANE Select); coding-DNA position 3458, G replaced by C.
Protein change: p.Gly1153Ala; replaces glycine 1153 with alanine.
Molecular consequence: missense variant. On other transcripts: non-coding transcript variant (1).
Genome position (GRCh38, 1-based): chr1:102,935,094, C>G on the plus strand (G>C on the coding strand, the complement: COL11A1 is on the minus strand). VCF-style: chr1-102935094-C-G. GRCh37 (hg19) VCF-style: chr1-103400650-C-G.
Other names: c.3341G>C, p.Gly1114Ala (NM_001190709.2); c.3494G>C, p.Gly1165Ala (NM_080629.3); c.3110G>C, p.Gly1037Ala (NM_080630.4); c.3458G>C (NM_001854.3); short protein forms G1037A, G1114A, G1153A, G1165A.
Identifiers: ClinVar variation 4759227 (VCV004759227.2).

ClinVar aggregate classification (germline): Conflicting classifications of pathogenicity. Review status: criteria provided, conflicting classifications (1 of 4 stars). 2 submissions from 2 submitters: Likely pathogenic (1); Uncertain significance (1). Last evaluated 2026-03-15.

Conditions:
Stickler syndrome type 2 (STL2). Also called: STICKLER SYNDROME, TYPE II; STICKLER SYNDROME, BEADED VITREOUS TYPE; STICKLER SYNDROME, VITREOUS TYPE 2; COL11A1-Related Stickler Syndrome. Identifiers: Orphanet 828, Orphanet 90654, MedGen C1858084, MONDO:0011493, OMIM 604841.

Submissions (2):

GeneDx
Classification: Uncertain significance. Last evaluated: 2026-03-15. Review status: criteria provided, single submitter. Criteria: GeneDx Variant Classification Process June 2021. Collection method: clinical testing. Allele origin: germline.
Comment: Identified in a patient with early-onset high myopia and an additional variant in the JAG1 gene in published literature (PMID: 26747767); Not observed at significant frequency in large population cohorts (gnomAD); In silico analysis supports that this missense variant has a deleterious effect on protein structure/function; Affects a glycine residue in a Gly-X-Y motif in the triple helical region, where the majority of pathogenic missense variants occur (HGMD; PMID: 25240749); This variant is associated with the following publications: (PMID: 25240749, 26747767)

Variantyx, Inc.
Classification: Likely pathogenic for Stickler syndrome type 2. Last evaluated: 2025-03-27. Review status: criteria provided, single submitter. Criteria: Variantyx Assertion Criteria 2022. Collection method: clinical testing. Allele origin: maternal.
Comment: This is a nonsynonymous variant in the COL11A1 gene (OMIM: 120280). Pathogenic variants in this gene have been associated with autosomal dominant Stickler syndrome type II. This variant has been reported in at least one individual affected with early-onset high myopia (PMID: 26747767) (PS4_Moderate). This variant replaces a glycine residue in the repetitive Gly-X-Y sequence of the triple helix domain (amino acids 529-1542), which is a known disease mechanism in collagenopathies (PMID: 35741851, 15365990) (PM1). Multiple computational algorithms predict a deleterious effect for this variant (REVEL score: 0.985) (PP3_Moderate). This variant is absent from control populations (PM2_Supporting). Based on the current evidence, this variant is classified as likely pathogenic for autosomal dominant Stickler syndrome type II.Inter- and intrafamilial clinical variability has been described (PMID: 20301479, 28315471).